The following is an entry in ClinVar:

ClinVar aggregate classification (germline): Uncertain significance (1 of 4 stars; one submission).

gnomAD v4.1: 1 of 1,614,186 alleles (0.000062%); no homozygotes.

Submission:

Women's Health and Genetics/Laboratory Corporation of America, LabCorp
Classification: Uncertain significance. Last evaluated: 2025-04-30. Review status: criteria provided, single submitter. Criteria: LabCorp Variant Classification Summary - May 2015. Collection method: clinical testing. Allele origin: germline.
Comment: Variant summary: TCF20 c.5048C>T (p.Pro1683Leu) results in a non-conservative amino acid change in the encoded protein sequence. Five of five in-silico tools predict a damaging effect of the variant on protein function. The variant was absent in 251444 control chromosomes (gnomAD). The available data on variant occurrences in the general population are insufficient to allow any conclusion about variant significance. To our knowledge, no occurrence of c.5048C>T in individuals affected with Developmental Delay With Variable Intellectual Impairment And Behavioral Abnormalities and no experimental evidence demonstrating its impact on protein function have been reported. No submitters have cited clinical-significance assessments for this variant to ClinVar. Based on the evidence outlined above, the variant was classified as uncertain significance.

NM_001378418.1(TCF20):c.5048C>T (p.Pro1683Leu)

Gene: TCF20 (transcription factor 20; minus strand). Cytogenetic location: 22q13.2.
Variant type: single nucleotide variant.
Coding change: c.5048C>T on transcript NM_001378418.1 (MANE Select); coding-DNA position 5048, C replaced by T.
Protein change: p.Pro1683Leu; replaces proline 1683 with leucine.
Molecular consequence: missense variant.
Genome position (GRCh38, 1-based): chr22:42,210,258, G>A on the plus strand (C>T on the coding strand, the complement: TCF20 is on the minus strand). VCF-style: chr22-42210258-G-A. GRCh37 (hg19) VCF-style: chr22-42606264-G-A.
Other names: c.5048C>T, p.Pro1683Leu (NM_005650.4, NM_181492.3); short protein forms P1683L.
Identifiers: ClinVar variation 3896200 (VCV003896200.2).